The following is an entry in ClinVar:

ClinVar aggregate classification (germline): Pathogenic (1 of 4 stars; one submission).

Conditions:
Osteogenesis imperfecta type I (OI1). Also called: Lobstein's Disease; Lobstein disease; OI, TYPE I; OSTEOGENESIS IMPERFECTA TARDA; OSTEOGENESIS IMPERFECTA WITH BLUE SCLERAE; Osteogenesis imperfecta type 1. Identifiers: Orphanet 216796, Orphanet 666, MedGen C0023931, MONDO:0008146, OMIM 166200. Disease mechanism: loss of function.

Submission:

Labcorp Genetics (formerly Invitae), Labcorp
Classification: Pathogenic for Osteogenesis imperfecta type I. Last evaluated: 2023-07-30. Review status: criteria provided, single submitter. Criteria: Invitae Variant Classification Sherloc (09022015). Collection method: clinical testing. Allele origin: germline.
Comment: This sequence change replaces glycine, which is neutral and non-polar, with serine, which is neutral and polar, at codon 803 of the COL1A1 protein (p.Gly803Ser). For these reasons, this variant has been classified as Pathogenic. This variant disrupts the triple helix domain of COL1A1. Glycine residues within the Gly-Xaa-Yaa repeats of the triple helix domain are required for the structure and stability of fibrillar collagens (PMID: 7695699, 8218237, 19344236). In COL1A1, variants affecting these glycine residues are significantly enriched in individuals with disease (PMID: 9016532, 17078022) compared to the general population (ExAC). Advanced modeling of protein sequence and biophysical properties (such as structural, functional, and spatial information, amino acid conservation, physicochemical variation, residue mobility, and thermodynamic stability) performed at Invitae indicates that this missense variant is expected to disrupt COL1A1 protein function. This missense change has been observed in individual(s) with osteogenesis imperfecta (Invitae). This variant is not present in population databases (gnomAD no frequency).

Literature cited by the submitters: PubMed 7695699; PubMed 8218237; PubMed 19344236; PubMed 9016532; PubMed 17078022.

NM_000088.4(COL1A1):c.2407G>A (p.Gly803Ser)

Gene: COL1A1 (collagen type I alpha 1 chain; minus strand). Cytogenetic location: 17q21.33.
Variant type: single nucleotide variant.
Coding change: c.2407G>A on transcript NM_000088.4 (MANE Select); coding-DNA position 2407, G replaced by A.
Protein change: p.Gly803Ser; replaces glycine 803 with serine.
Molecular consequence: missense variant.
Genome position (GRCh38, 1-based): chr17:50,190,371, C>T on the plus strand (G>A on the coding strand, the complement: COL1A1 is on the minus strand). VCF-style: chr17-50190371-C-T. GRCh37 (hg19) VCF-style: chr17-48267732-C-T.
Other names: short protein forms G803S.
Identifiers: ClinVar variation 2748523 (VCV002748523.3), dbSNP rs2509190985, ClinGen allele CA400207994.